The following is an entry in ClinVar:

ClinVar aggregate classification (germline): Pathogenic. Review status: criteria provided, multiple submitters, no conflicts (2 of 4 stars). 3 submissions from 3 submitters: Pathogenic (3). Last evaluated 2026-01-05.

Conditions:
Familial cancer of breast. Also called: hereditary breast carcinoma; Hereditary breast cancer; BREAST CANCER, FAMILIAL. Identifiers: Orphanet 227535, MedGen C0346153, MONDO:0016419, OMIM 114480. Disease mechanism: loss of function.
Hereditary cancer-predisposing syndrome. Also called: Tumor predisposition; Hereditary neoplastic syndrome; Neoplastic Syndromes, Hereditary; Hereditary Cancer Syndrome. Identifiers: Orphanet 140162, MedGen C0027672, MeSH D009386, MONDO:0015356.

Submissions (3):

Labcorp Genetics (formerly Invitae), Labcorp
Classification: Pathogenic for Familial cancer of breast. Last evaluated: 2026-01-05. Review status: criteria provided, single submitter. Criteria: Invitae Variant Classification Sherloc (09022015). Collection method: clinical testing. Allele origin: germline.
Comment: This sequence change creates a premature translational stop signal (p.Gln350*) in the BARD1 gene. It is expected to result in an absent or disrupted protein product. Loss-of-function variants in BARD1 are known to be pathogenic (PMID: 20077502, 21344236). This variant is not present in population databases (gnomAD no frequency). This variant has not been reported in the literature in individuals affected with BARD1-related conditions. ClinVar contains an entry for this variant (Variation ID: 1076501). For these reasons, this variant has been classified as Pathogenic.

Ambry Genetics
Classification: Pathogenic for Hereditary cancer-predisposing syndrome. Last evaluated: 2025-08-06. Review status: criteria provided, single submitter. Criteria: Ambry Variant Classification Scheme 2023. Collection method: clinical testing. Allele origin: germline.
Comment: The p.Q350* pathogenic mutation (also known as c.1048C>T), located in coding exon 4 of the BARD1 gene, results from a C to T substitution at nucleotide position 1048. This changes the amino acid from a glutamine to a stop codon within coding exon 4. This variant is considered to be rare based on population cohorts in the Genome Aggregation Database (gnomAD). This alteration is expected to result in loss of function by premature protein truncation or nonsense-mediated mRNA decay. As such, this alteration is interpreted as a disease-causing mutation.

Myriad Genetics, Inc.
Classification: Pathogenic for Familial cancer of breast. Last evaluated: 2023-05-22. Review status: criteria provided, single submitter. Criteria: Myriad Autosomal Dominant, Autosomal Recessive and X-Linked Classification Criteria (2023). Collection method: clinical testing. Allele origin: unknown.
Comment: This variant is considered pathogenic. This variant creates a termination codon and is predicted to result in premature protein truncation.

Literature cited by the submitters: PubMed 20077502 (cited by Labcorp Genetics (formerly Invitae), Labcorp); PubMed 21344236 (cited by Labcorp Genetics (formerly Invitae), Labcorp).

NM_000465.4(BARD1):c.1048C>T (p.Gln350Ter)

Gene: BARD1 (BRCA1 associated RING domain 1; minus strand). Cytogenetic location: 2q35.
Variant type: single nucleotide variant.
Coding change: c.1048C>T on transcript NM_000465.4 (MANE Select); coding-DNA position 1048, C replaced by T.
Protein change: p.Gln350Ter; replaces glutamine 350 with a stop codon.
Molecular consequence: nonsense. On other transcripts: non-coding transcript variant (2), intron variant (3).
Genome position (GRCh38, 1-based): chr2:214,780,826, G>A on the plus strand (C>T on the coding strand, the complement: BARD1 is on the minus strand). VCF-style: chr2-214780826-G-A. GRCh37 (hg19) VCF-style: chr2-215645550-G-A.
Other names: c.991C>T, p.Gln331Ter (NM_001282543.2); c.159-28271C>T (NM_001282548.2); c.215+16235C>T (NM_001282545.2); c.364+11471C>T (NM_001282549.2); short protein forms Q331*, Q350*.
Identifiers: ClinVar variation 1076501 (VCV001076501.12), dbSNP rs2106109048, ClinGen allele CA350454164.